The following is an entry in ClinVar:

NM_144573.4(NEXN):c.125G>A (p.Arg42Lys)

Gene: NEXN (nexilin F-actin binding protein; plus strand). Cytogenetic location: 1p31.1.
Variant type: single nucleotide variant.
Coding change: c.125G>A on transcript NM_144573.4 (MANE Select); coding-DNA position 125, G replaced by A.
Protein change: p.Arg42Lys; replaces arginine 42 with lysine.
Molecular consequence: missense variant. On other transcripts: intron variant (1).
Genome position (GRCh38, 1-based): chr1:77,917,663, G>A. VCF-style: chr1-77917663-G-A. GRCh37 (hg19) VCF-style: chr1-78383348-G-A.
Other names: c.28-297G>A (NM_001172309.2); short protein forms R42K.
Identifiers: ClinVar variation 2444682 (VCV002444682.6), dbSNP rs777157281, ClinGen allele CA918566.

ClinVar aggregate classification (germline): Uncertain significance. Review status: criteria provided, multiple submitters, no conflicts (2 of 4 stars). 5 submissions from 5 submitters: Uncertain significance (5). Last evaluated 2026-09-14.

Conditions:
NEXN-related disorder. Also called: NEXN-related condition; NEXN-related disorders.
Cardiovascular phenotype. Identifiers: MedGen CN230736.
Hypertrophic cardiomyopathy 20. Identifiers: MedGen C3151267, MONDO:0013477, OMIM 613876.
Dilated cardiomyopathy 1CC (CMD1CC). Identifiers: Orphanet 154, MedGen C2751084, MONDO:0013147, OMIM 613122.

Allele frequency attached by ClinVar (database versions not stated): ExAC 0.00001; TOPMed 0.00001; gnomAD 0.00003.
gnomAD v4.1: 8 of 1,612,748 alleles (0.0005%); highest among the groups gnomAD compares: African/African-American, 0.008%; no homozygotes.

Submissions (5):

PreventionGenetics, part of Exact Sciences
Classification: Uncertain significance for NEXN-related condition. Last evaluated: 2026-09-14. Review status: criteria provided, single submitter. Criteria: ACMG Guidelines, 2015. Collection method: clinical testing. Allele origin: germline.
Comment: The NEXN c.125G>A variant is predicted to result in the amino acid substitution p.Arg42Lys. To our knowledge, this variant has not been reported in the literature. This variant is reported in 0.012% of alleles in individuals of African descent in gnomAD. At this time, the clinical significance of this variant is uncertain due to the absence of conclusive functional and genetic evidence.

Labcorp Genetics (formerly Invitae), Labcorp
Classification: Uncertain significance for Dilated cardiomyopathy 1CC; Hypertrophic cardiomyopathy 20. Last evaluated: 2025-12-26. Review status: criteria provided, single submitter. Criteria: Invitae Variant Classification Sherloc (09022015). Collection method: clinical testing. Allele origin: germline.
Comment: This sequence change replaces arginine, which is basic and polar, with lysine, which is basic and polar, at codon 42 of the NEXN protein (p.Arg42Lys). This variant is present in population databases (rs777157281, gnomAD 0.01%). This variant has not been reported in the literature in individuals affected with NEXN-related conditions. ClinVar contains an entry for this variant (Variation ID: 2444682). An algorithm developed to predict the effect of missense changes on protein structure and function (PolyPhen-2) suggests that this variant is likely to be disruptive. In summary, the available evidence is currently insufficient to determine the role of this variant in disease. Therefore, it has been classified as a Variant of Uncertain Significance.

Women's Health and Genetics/Laboratory Corporation of America, LabCorp
Classification: Uncertain significance. Last evaluated: 2025-02-03. Review status: criteria provided, single submitter. Criteria: LabCorp Variant Classification Summary - May 2015. Collection method: clinical testing. Allele origin: germline.

Ambry Genetics
Classification: Uncertain significance for Cardiovascular phenotype. Last evaluated: 2024-12-10. Review status: criteria provided, single submitter. Criteria: Ambry Variant Classification Scheme 2023. Collection method: clinical testing. Allele origin: germline.

GeneDx
Classification: Uncertain significance. Last evaluated: 2022-09-14. Review status: criteria provided, single submitter. Criteria: GeneDx Variant Classification Process June 2021. Collection method: clinical testing. Allele origin: germline. Affected: yes.
Comment: Not observed at significant frequency in large population cohorts (gnomAD); In silico analysis supports that this missense variant does not alter protein structure/function; Has not been previously published as pathogenic or benign to our knowledge